The following is an entry in ClinVar:

NM_018263.6(ASXL2):c.3397C>T (p.Arg1133Trp)

Gene: ASXL2 (ASXL transcriptional regulator 2; minus strand). Cytogenetic location: 2p23.3.
Variant type: single nucleotide variant.
Coding change: c.3397C>T on transcript NM_018263.6 (MANE Select); coding-DNA position 3397, C replaced by T.
Protein change: p.Arg1133Trp; replaces arginine 1133 with tryptophan.
Molecular consequence: missense variant.
Genome position (GRCh38, 1-based): chr2:25,742,940, G>A on the plus strand (C>T on the coding strand, the complement: ASXL2 is on the minus strand). VCF-style: chr2-25742940-G-A. GRCh37 (hg19) VCF-style: chr2-25965809-G-A.
Other names: c.3223C>T, p.Arg1075Trp (NM_001369346.1); c.2617C>T, p.Arg873Trp (NM_001369347.1); short protein forms R1133W, R1075W, R873W.
Identifiers: ClinVar variation 1032031 (VCV001032031.1), dbSNP rs1285225904, ClinGen allele CA346078610.

ClinVar aggregate classification (germline): Uncertain significance (1 of 4 stars; one submission).

Conditions:
Shashi-Pena syndrome (SHAPNS). Identifiers: Orphanet 689408, MedGen C4310672, MONDO:0014963, OMIM 617190.

Allele frequency attached by ClinVar (database versions not stated): gnomAD exomes 0.00001 and 0.00002.
gnomAD v4.1: 10 of 1,613,934 alleles (0.00062%); highest among the groups gnomAD compares: East Asian, 0.0045%; no homozygotes.

Submission:

Baylor Genetics
Classification: Uncertain significance for Shashi-Pena syndrome. Last evaluated: 2018-10-25. Review status: criteria provided, single submitter. Criteria: ACMG Guidelines, 2015. Collection method: clinical testing. Allele origin: maternal. Affected: yes.
Comment: This variant was determined to be of uncertain significance according to ACMG Guidelines, 2015 [PMID:25741868].